The following is an entry in ClinVar:

ClinVar aggregate classification (germline): Uncertain significance. Review status: criteria provided, multiple submitters, no conflicts (2 of 4 stars). 2 submissions from 2 submitters: Uncertain significance (2). Last evaluated 2023-12-28.

Conditions:
Developmental and epileptic encephalopathy, 1 (DEE1). Also called: INFANTILE SPASM SYNDROME, X-LINKED 1; X-linked infantile spasms; OHTAHARA SYNDROME, X-LINKED; Epileptic encephalopathy, early infantile, 1; West's syndrome; Tonic spasms with clustering, arrest of psychomotor development and hypsarrhythmia on EEG. Identifiers: MedGen C3463992, MONDO:0010632, OMIM 308350. Disease mechanism: loss of function.
Intellectual disability, X-linked, with or without seizures, ARX-related. Also called: INTELLECTUAL DEVELOPMENTAL DISORDER, X-LINKED 29; MENTAL RETARDATION, X-LINKED 29; MENTAL RETARDATION, X-LINKED 32; MENTAL RETARDATION, X-LINKED 33; MENTAL RETARDATION, X-LINKED 38; MENTAL RETARDATION, X-LINKED 43. Identifiers: Orphanet 777, MedGen C0796244, MONDO:0010317, OMIM 300419.

Allele frequency attached by ClinVar (database versions not stated): gnomAD exomes 0.00002; TOPMed 0.00002.

Submissions (2):

Labcorp Genetics (formerly Invitae), Labcorp
Classification: Uncertain significance for Developmental and epileptic encephalopathy, 1; Intellectual disability, X-linked, with or without seizures, ARX-related. Last evaluated: 2023-12-28. Review status: criteria provided, single submitter. Criteria: Invitae Variant Classification Sherloc (09022015). Collection method: clinical testing. Allele origin: germline.
Comment: This sequence change replaces glutamic acid, which is acidic and polar, with aspartic acid, which is acidic and polar, at codon 227 of the ARX protein (p.Glu227Asp). This variant is present in population databases (no rsID available, gnomAD 0.006%). This variant has not been reported in the literature in individuals affected with ARX-related conditions. ClinVar contains an entry for this variant (Variation ID: 387828). Advanced modeling of protein sequence and biophysical properties (such as structural, functional, and spatial information, amino acid conservation, physicochemical variation, residue mobility, and thermodynamic stability) performed at Invitae indicates that this missense variant is not expected to disrupt ARX protein function with a negative predictive value of 95%. In summary, the available evidence is currently insufficient to determine the role of this variant in disease. Therefore, it has been classified as a Variant of Uncertain Significance.

GeneDx
Classification: Uncertain significance. Last evaluated: 2016-08-01. Review status: criteria provided, single submitter. Criteria: GeneDx Variant Classification (06012015). Collection method: clinical testing. Allele origin: germline. Affected: yes.
Comment: The E227D variant has not been published as a pathogenic variant, nor has it been reported as a benign variant to our knowledge. Although the E227D variant was not observed in approximately 5,700 individuals of European and African American ancestry in the NHLBI Exome Sequencing Project, the data was noted to have reduced depth of sequencing reads and therefore may be unreliable. This substitution occurs at a position that is conserved in mammals; however, Aspartic acid is observed at this position in evolution. The E227D variant is a conservative amino acid substitution, which is not likely to impact secondary protein structure as these residues share similar properties. In silico analysis is inconsistent in its predictions as to whether or not the variant is damaging to the protein structure/function. Therefore, based on the currently available information, it is unclear whether this variant is a pathogenic variant or a rare benign variant.

NM_139058.3(ARX):c.681G>C (p.Glu227Asp)

Gene: ARX (aristaless related homeobox; minus strand). Cytogenetic location: Xp21.3.
Variant type: single nucleotide variant.
Coding change: c.681G>C on transcript NM_139058.3 (MANE Select); coding-DNA position 681, G replaced by C.
Protein change: p.Glu227Asp; replaces glutamic acid 227 with aspartic acid.
Molecular consequence: missense variant.
Genome position (GRCh38, 1-based): chrX:25,013,314, C>G on the plus strand (G>C on the coding strand, the complement: ARX is on the minus strand). VCF-style: chrX-25013314-C-G. GRCh37 (hg19) VCF-style: chrX-25031431-C-G.
Other names: short protein forms E227D.
Identifiers: ClinVar variation 387828 (VCV000387828.5), dbSNP rs887974166, ClinGen allele CA16609170.